The following is an entry in ClinVar:

NM_005591.4(MRE11):c.156G>A (p.Val52=)

Gene: MRE11 (MRE11 double strand break repair nuclease; minus strand). Cytogenetic location: 11q21.
Variant type: single nucleotide variant.
Coding change: c.156G>A on transcript NM_005591.4 (MANE Select); coding-DNA position 156, G replaced by A.
Protein change: p.Val52=; no amino-acid change (valine 52 retained).
Molecular consequence: synonymous variant.
Genome position (GRCh38, 1-based): chr11:94,486,082, C>T on the plus strand (G>A on the coding strand, the complement: MRE11 is on the minus strand). VCF-style: chr11-94486082-C-T. GRCh37 (hg19) VCF-style: chr11-94219248-C-T.
Other names: c.156G>A, p.Val52= (NM_001330347.2, NM_005590.4).
Identifiers: ClinVar variation 819567 (VCV000819567.7), dbSNP rs1591719454, ClinGen allele CA476287414.
Genomic context (GRCh38, chr11:94,486,082, plus strand): 5'-TAATGTTTTCCTTGAGGGCTTATTTTCATGAAAAAGATCACCACCTAACAAAATAAAATC[C>T]ACCTGATCAACAGAAAAAGGTGTTAAAATTAGTATGTTTTACAGGTAAAATTTTTGTAAA-3'
Protein context (NP_005582.1, residues 42-62): EILRLAQENE[Val52=]DFILLGGDLF

ClinVar aggregate classification (germline): Conflicting classifications of pathogenicity. Review status: criteria provided, conflicting classifications (1 of 4 stars). 2 submissions from 2 submitters: Uncertain significance (1); Likely benign (1). Last evaluated 2022-11-03.

Conditions:
Hereditary cancer-predisposing syndrome. Also called: Neoplastic Syndromes, Hereditary; Tumor predisposition; Hereditary Cancer Syndrome; Hereditary neoplastic syndrome. Identifiers: Orphanet 140162, MedGen C0027672, MeSH D009386, MONDO:0015356.
Ataxia-telangiectasia-like disorder (ATLD). Identifiers: MedGen C1858391, MONDO:0011457.

Allele frequency attached by ClinVar (database versions not stated): gnomAD exomes below 0.00001.

Submissions (2):

Labcorp Genetics (formerly Invitae), Labcorp
Classification: Uncertain significance for Ataxia-telangiectasia-like disorder. Last evaluated: 2022-11-03. Review status: criteria provided, single submitter. Criteria: Invitae Variant Classification Sherloc (09022015). Collection method: clinical testing. Allele origin: germline.
Comment: ClinVar contains an entry for this variant (Variation ID: 819567). This variant has not been reported in the literature in individuals affected with MRE11-related conditions. This variant is not present in population databases (gnomAD no frequency). This sequence change affects codon 52 of the MRE11 mRNA. It is a 'silent' change, meaning that it does not change the encoded amino acid sequence of the MRE11 protein. Algorithms developed to predict the effect of sequence changes on RNA splicing suggest that this variant may disrupt the consensus splice site. In summary, the available evidence is currently insufficient to determine the role of this variant in disease. Therefore, it has been classified as a Variant of Uncertain Significance.

Ambry Genetics
Classification: Likely benign for Hereditary cancer-predisposing syndrome. Last evaluated: 2018-09-06. Review status: criteria provided, single submitter. Criteria: Ambry Variant Classification Scheme 2023. Collection method: clinical testing. Allele origin: germline.